The following is an entry in ClinVar:

NM_001042492.3(NF1):c.3623del (p.Leu1208fs)

Gene: NF1 (neurofibromin 1; plus strand). Cytogenetic location: 17q11.2.
Variant type: Deletion.
Coding change: c.3623del on transcript NM_001042492.3 (MANE Select); coding-DNA position 3623, one base deleted (T; older notation c.3623delT).
Protein change: p.Leu1208fs; shifts the reading frame from leucine 1208.
Molecular consequence: frameshift variant.
Genome position (GRCh38, 1-based): chr17:31,233,128, T deleted; the last of 2 consecutive T bases (chr17:31,233,127-31,233,128); deleting either gives the same sequence. VCF-style (leftmost placement, unchanged base first): chr17-31233126-AT-A. GRCh37 (hg19) VCF-style: chr17-29560144-AT-A.
Other names: c.3623delT (NM_000267.3); c.3623delT, p.Leu1208Trpfs (NM_000267.4); short protein forms L1208fs.
Identifiers: ClinVar variation 3237742 (VCV003237742.1), dbSNP rs2508239732.

ClinVar aggregate classification (germline): Pathogenic (1 of 4 stars; one submission).

Conditions:
Hereditary cancer-predisposing syndrome. Also called: Neoplastic Syndromes, Hereditary; Tumor predisposition; Hereditary neoplastic syndrome; Hereditary Cancer Syndrome. Identifiers: Orphanet 140162, MedGen C0027672, MeSH D009386, MONDO:0015356.
Cardiovascular phenotype. Identifiers: MedGen CN230736.

Submission:

Ambry Genetics
Classification: Pathogenic for Cardiovascular phenotype; Hereditary cancer-predisposing syndrome. Last evaluated: 2023-06-23. Review status: criteria provided, single submitter. Criteria: Ambry Variant Classification Scheme 2023. Collection method: clinical testing. Allele origin: germline.
Comment: The c.3623delT pathogenic mutation, located in coding exon 27 of the NF1 gene, results from a deletion of one nucleotide at nucleotide position 3623, causing a translational frameshift with a predicted alternate stop codon (p.L1208Wfs*7). This alteration was detected in an individual meeting clinical diagnostic criteria for a diagnosis of neurofibromatosis type 1 (Valero MC et al. J Mol Diagn. 2011 Mar;13:113-22). This variant is considered to be rare based on population cohorts in the Genome Aggregation Database (gnomAD). In addition to the clinical data presented in the literature, this alteration is expected to result in loss of function by premature protein truncation or nonsense-mediated mRNA decay. As such, this alteration is interpreted as a disease-causing mutation.